The following is an entry in ClinVar:

NM_001903.5(CTNNA1):c.2180_2181del (p.Thr727fs)

Gene: CTNNA1 (catenin alpha 1; plus strand). Cytogenetic location: 5q31.2.
Variant type: Deletion.
Coding change: c.2180_2181del on transcript NM_001903.5 (MANE Select); coding-DNA positions 2180 to 2181, 2 bases deleted (CA; older notation c.2180_2181delCA).
Protein change: p.Thr727fs; shifts the reading frame from threonine 727.
Molecular consequence: frameshift variant.
Genome position (GRCh38, 1-based): chr5:138,930,642-138,930,643, CA deleted; deleting any 2 consecutive bases within chr5:138,930,641-138,930,643 gives the same sequence; the c. name uses the placement nearest the transcript's 3' end. VCF-style (leftmost placement, unchanged base first): chr5-138930640-GAC-G. GRCh37 (hg19) VCF-style: chr5-138266329-GAC-G.
Other names: c.2180_2181del, p.Thr727fs (NM_001290307.3, NM_001323982.2, NM_001323983.1 and 2 more transcripts); c.1871_1872del, p.Thr624fs (NM_001290309.3); c.1811_1812del, p.Thr604fs (NM_001290310.3); c.1070_1071del, p.Thr357fs (NM_001290312.1, NM_001323987.1, NM_001323988.1 and 17 more transcripts); c.2087_2088del, p.Thr696fs (NM_001323986.2); c.827_828del, p.Thr276fs (NM_001324013.1, NM_001324012.1); c.731_732del, p.Thr244fs (NM_001324006.1, NM_001324007.1, NM_001324008.1 and 2 more transcripts); c.977_978del, p.Thr326fs (NM_001324011.1); short protein forms T276fs, T357fs, T604fs, T624fs, T727fs, T326fs, T696fs, T244fs.
Identifiers: ClinVar variation 3270103 (VCV003270103.2).

ClinVar aggregate classification (germline): Pathogenic (1 of 4 stars; one submission).

Conditions:
Hereditary cancer-predisposing syndrome. Also called: Tumor predisposition; Hereditary Cancer Syndrome; Hereditary neoplastic syndrome; Neoplastic Syndromes, Hereditary. Identifiers: Orphanet 140162, MedGen C0027672, MeSH D009386, MONDO:0015356.

Submission:

Ambry Genetics
Classification: Pathogenic for Hereditary cancer-predisposing syndrome. Last evaluated: 2025-07-09. Review status: criteria provided, single submitter. Criteria: Ambry Variant Classification Scheme 2023. Collection method: clinical testing. Allele origin: germline.
Comment: The c.2180_2181delCA pathogenic mutation, located in coding exon 14 of the CTNNA1 gene, results from a deletion of two nucleotides at nucleotide positions 2180 to 2181, causing a translational frameshift with a predicted alternate stop codon (p.T727Rfs*6). This variant is considered to be rare based on population cohorts in the Genome Aggregation Database (gnomAD). This alteration is expected to result in loss of function by premature protein truncation or nonsense-mediated mRNA decay. As such, this alteration is interpreted as a disease-causing mutation.